The following is an entry in ClinVar:

NM_006767.4(LZTR1):c.1571T>C (p.Leu524Pro)

Gene: LZTR1 (leucine zipper like post translational regulator 1; plus strand). Cytogenetic location: 22q11.21.
Variant type: single nucleotide variant.
Coding change: c.1571T>C on transcript NM_006767.4 (MANE Select); coding-DNA position 1571, T replaced by C.
Protein change: p.Leu524Pro; replaces leucine 524 with proline.
Molecular consequence: missense variant.
Genome position (GRCh38, 1-based): chr22:20,994,225, T>C. VCF-style: chr22-20994225-T-C. GRCh37 (hg19) VCF-style: chr22-21348514-T-C.
Other names: c.1571T>C (NM_006767.3); short protein forms L524P.
Identifiers: ClinVar variation 1969855 (VCV001969855.9), dbSNP rs1198204613, ClinGen allele CA410776042.
Genomic context (GRCh38, chr22:20,994,225, plus strand): 5'-CCCGGCCGCCCCTGCTGCACGTGGCCATCCGGGAGGCCGAGGCCCGGCCCTTCGAGGTGC[T>C]CATGCAGTTCCTCTACACCGACAAGATCAAATACCCACGGAAAGGTCCGCCTGGGTGGGG-3'
Protein context (NP_006758.2, residues 514-534): REAEARPFEV[Leu524Pro]MQFLYTDKIK

ClinVar aggregate classification (germline): Uncertain significance. Review status: criteria provided, multiple submitters, no conflicts (2 of 4 stars). 3 submissions from 3 submitters: Uncertain significance (3). Last evaluated 2025-11-10.

Conditions:
Hereditary cancer-predisposing syndrome. Also called: Tumor predisposition; Hereditary Cancer Syndrome; Hereditary neoplastic syndrome; Neoplastic Syndromes, Hereditary. Identifiers: Orphanet 140162, MedGen C0027672, MeSH D009386, MONDO:0015356.
Cardiovascular phenotype. Identifiers: MedGen CN230736.

Allele frequency attached by ClinVar (database versions not stated): gnomAD 0.00001; gnomAD exomes 0.00001; TOPMed 0.00001.
gnomAD v4.1: 9 of 1,600,458 alleles (0.00056%); highest among the groups gnomAD compares: Non-Finnish European, 0.00068%; no homozygotes.

Submissions (3):

Labcorp Genetics (formerly Invitae), Labcorp
Classification: Uncertain significance. Last evaluated: 2025-11-10. Review status: criteria provided, single submitter. Criteria: Invitae Variant Classification Sherloc (09022015). Collection method: clinical testing. Allele origin: germline.
Comment: This sequence change replaces leucine, which is neutral and non-polar, with proline, which is neutral and non-polar, at codon 524 of the LZTR1 protein (p.Leu524Pro). This variant is not present in population databases (gnomAD no frequency). This variant has not been reported in the literature in individuals affected with LZTR1-related conditions. ClinVar contains an entry for this variant (Variation ID: 1969855). Invitae Evidence Modeling of protein sequence and biophysical properties (such as structural, functional, and spatial information, amino acid conservation, physicochemical variation, residue mobility, and thermodynamic stability) indicates that this missense variant is not expected to disrupt LZTR1 protein function with a negative predictive value of 80%. In summary, the available evidence is currently insufficient to determine the role of this variant in disease. Therefore, it has been classified as a Variant of Uncertain Significance.

Ambry Genetics
Classification: Uncertain significance for Cardiovascular phenotype; Hereditary cancer-predisposing syndrome. Last evaluated: 2025-05-27. Review status: criteria provided, single submitter. Criteria: Ambry Variant Classification Scheme 2023. Collection method: clinical testing. Allele origin: germline.
Comment: The p.L524P variant (also known as c.1571T>C), located in coding exon 14 of the LZTR1 gene, results from a T to C substitution at nucleotide position 1571. The leucine at codon 524 is replaced by proline, an amino acid with similar properties. This amino acid position is conserved. In addition, this alteration is predicted to be deleterious by in silico analysis. Since supporting evidence is limited at this time, the clinical significance of this alteration remains unclear.

GeneDx
Classification: Uncertain significance. Last evaluated: 2023-10-09. Review status: criteria provided, single submitter. Criteria: GeneDx Variant Classification Process June 2021. Collection method: clinical testing. Allele origin: germline. Affected: yes.
Comment: Not observed at significant frequency in large population cohorts (gnomAD); In silico analysis supports that this missense variant has a deleterious effect on protein structure/function; Has not been previously published as pathogenic or benign to our knowledge